The following is an entry in ClinVar:

ClinVar aggregate classification (germline): Uncertain significance (1 of 4 stars; one submission).

Conditions:
Leigh syndrome (NULS). Also called: Leigh's necrotizing encephalopathy; Leigh's disease; Leigh Syndrome (mtDNA deletion); Leigh Disease; Subacute necrotizing encephalopathy; Necrotizing encephalopathy infantile subacute of Leigh. Identifiers: Orphanet 506, MedGen C2931891, MONDO:0009723, OMIM 256000.

Submission:

Wong Mito Lab, Molecular and Human Genetics, Baylor College of Medicine
Classification: Uncertain significance for Leigh syndrome. Last evaluated: 2019-10-17. Review status: criteria provided, single submitter. Criteria: Modified ACMG Guidelines (Unpublished). Collection method: clinical testing. Allele origin: germline.
Comment: The NC_012920.1:m.8373A>T (YP_003024030.1:p.Gln3Leu) variant in MTATP8 gene is interpretated to be a Uncertain Significance variant based on the modified ACMG guidelines (unpublished). This variant meets the following evidence codes: PP3, PP7, BP5

NC_012920.1(MT-ATP8):m.8373A>T

Gene: MT-ATP8 (mitochondrially encoded ATP synthase 8; plus strand).
Variant type: single nucleotide variant.
Genome position: chrM-8373-A-T.
Identifiers: ClinVar variation 692835 (VCV000692835.1), dbSNP rs1603221431, ClinGen allele CA414795823.